The following is an entry in ClinVar:

ClinVar aggregate classification (germline): Conflicting classifications of pathogenicity. Review status: criteria provided, conflicting classifications (1 of 4 stars). 2 submissions from 2 submitters: Uncertain significance (1); Likely benign (1). Last evaluated 2026-08-21.

Conditions:
Tuberous sclerosis 2 (TSC2). Identifiers: Orphanet 805, MedGen C1860707, MONDO:0013199, OMIM 613254.
Hereditary cancer-predisposing syndrome. Also called: Hereditary neoplastic syndrome; Hereditary Cancer Syndrome; Neoplastic Syndromes, Hereditary; Tumor predisposition. Identifiers: Orphanet 140162, MedGen C0027672, MeSH D009386, MONDO:0015356.

Submissions (2):

Ambry Genetics
Classification: Likely benign for Hereditary cancer-predisposing syndrome. Last evaluated: 2026-08-21. Review status: criteria provided, single submitter. Criteria: Ambry Variant Classification Scheme 2023. Collection method: clinical testing. Allele origin: germline.

Labcorp Genetics (formerly Invitae), Labcorp
Classification: Uncertain significance for Tuberous sclerosis 2. Last evaluated: 2025-09-29. Review status: criteria provided, single submitter. Criteria: Invitae Variant Classification Sherloc (09022015). Collection method: clinical testing. Allele origin: germline.
Comment: This sequence change replaces proline, which is neutral and non-polar, with alanine, which is neutral and non-polar, at codon 28 of the TSC2 protein (p.Pro28Ala). This variant is not present in population databases (gnomAD no frequency). This variant has not been reported in the literature in individuals affected with TSC2-related conditions. ClinVar contains an entry for this variant (Variation ID: 2708239). Invitae Evidence Modeling of protein sequence and biophysical properties (such as structural, functional, and spatial information, amino acid conservation, physicochemical variation, residue mobility, and thermodynamic stability) indicates that this missense variant is not expected to disrupt TSC2 protein function with a negative predictive value of 95%. In summary, the available evidence is currently insufficient to determine the role of this variant in disease. Therefore, it has been classified as a Variant of Uncertain Significance.

NM_000548.5(TSC2):c.82C>G (p.Pro28Ala)

Gene: TSC2 (TSC complex subunit 2; plus strand). Cytogenetic location: 16p13.3.
Variant type: single nucleotide variant.
Coding change: c.82C>G on transcript NM_000548.5 (MANE Select); coding-DNA position 82, C replaced by G.
Protein change: p.Pro28Ala; replaces proline 28 with alanine.
Molecular consequence: missense variant. On other transcripts: 5 prime UTR variant (19), non-coding transcript variant (5), intron variant (6).
Genome position (GRCh38, 1-based): chr16:2,048,697, C>G. VCF-style: chr16-2048697-C-G. GRCh37 (hg19) VCF-style: chr16-2098698-C-G.
Other names: c.82C>G, p.Pro28Ala (NM_001077183.3, NM_001114382.3, NM_001318827.2 and 13 more transcripts); c.-145C>G (NM_001318831.2, NM_001406682.1, NM_001406684.1 and 2 more transcripts); c.115C>G, p.Pro39Ala (NM_001318832.2); c.-1350C>G (NM_001406691.1, NM_001406692.1, NM_001406697.1 and 2 more transcripts); c.-1656C>G (NM_001406693.1); c.-1231C>G (NM_001406694.1, NM_001406695.1); c.-1338C>G (NM_001406696.1); c.-1526C>G (NM_001406698.1); and 4 more; short protein forms P28A, P39A.
Identifiers: ClinVar variation 2708239 (VCV002708239.4), dbSNP rs200480606, ClinGen allele CA394301314.